The following is an entry in ClinVar:

ClinVar aggregate classification (germline): Uncertain significance. Review status: criteria provided, multiple submitters, no conflicts (2 of 4 stars). 2 submissions from 2 submitters: Uncertain significance (2). Last evaluated 2022-07-03.

Conditions:
Microcephaly, normal intelligence and immunodeficiency (NBS). Also called: Immunodeficiency, microcephaly with normal intelligence; Microcephaly with normal intelligence immunodeficiency and lymphoreticular malignancies; Nonsyndromal microcephaly autosomal recessive with normal intelligence; Seemanova syndrome 2; Ataxia telangiectasia variant V1; SEEMANOVA SYNDROME II. Identifiers: Orphanet 647, MedGen C0398791, MONDO:0009623, OMIM 251260.

Submissions (2):

Labcorp Genetics (formerly Invitae), Labcorp
Classification: Uncertain significance for Microcephaly, normal intelligence and immunodeficiency. Last evaluated: 2022-07-03. Review status: criteria provided, single submitter. Criteria: Invitae Variant Classification Sherloc (09022015). Collection method: clinical testing. Allele origin: germline.
Comment: This sequence change replaces leucine, which is neutral and non-polar, with phenylalanine, which is neutral and non-polar, at codon 489 of the NBN protein (p.Leu489Phe). This variant is not present in population databases (gnomAD no frequency). This variant has not been reported in the literature in individuals affected with NBN-related conditions. ClinVar contains an entry for this variant (Variation ID: 1349160). Algorithms developed to predict the effect of missense changes on protein structure and function are either unavailable or do not agree on the potential impact of this missense change (SIFT: "Tolerated"; PolyPhen-2: "Probably Damaging"; Align-GVGD: "Class C0"). In summary, the available evidence is currently insufficient to determine the role of this variant in disease. Therefore, it has been classified as a Variant of Uncertain Significance.

Breakthrough Genomics
Classification: Uncertain significance. Review status: criteria provided, single submitter. Criteria: ACMG Guidelines, 2015. Collection method: not provided. Allele origin: germline. Inheritance: Autosomal recessive inheritance. Affected: yes.

NM_002485.5(NBN):c.1465C>T (p.Leu489Phe)

Gene: NBN (nibrin; minus strand). Cytogenetic location: 8q21.3.
Variant type: single nucleotide variant.
Coding change: c.1465C>T on transcript NM_002485.5 (MANE Select); coding-DNA position 1465, C replaced by T.
Protein change: p.Leu489Phe; replaces leucine 489 with phenylalanine.
Molecular consequence: missense variant.
Genome position (GRCh38, 1-based): chr8:89,953,624, G>A on the plus strand (C>T on the coding strand, the complement: NBN is on the minus strand). VCF-style: chr8-89953624-G-A. GRCh37 (hg19) VCF-style: chr8-90965852-G-A.
Other names: c.1219C>T, p.Leu407Phe (NM_001024688.3); short protein forms L489F, L407F.
Identifiers: ClinVar variation 1349160 (VCV001349160.9), dbSNP rs143948240, ClinGen allele CA371655798.
Genomic context (GRCh38, chr8:89,953,624, plus strand): 5'-ATAGATGCTGCTCCTTATTTTTCCACAATGAGGGTGTAGCAGGTTGTGTTTGTTCTAAAA[G>A]AGAACAAGACGTTTCTATTCTTGCTGATTTGCATGAAGACATTTCTTGATTTTCTTCATC-3'
Protein context (NP_002476.2, residues 479-499): KSARIETSCS[Leu489Phe]LEQTQPATPS